The following is an entry in ClinVar:

NM_004370.6(COL12A1):c.734C>T (p.Ala245Val)

Gene: COL12A1 (collagen type XII alpha 1 chain; minus strand). Cytogenetic location: 6q13.
Variant type: single nucleotide variant.
Coding change: c.734C>T on transcript NM_004370.6 (MANE Select); coding-DNA position 734, C replaced by T.
Protein change: p.Ala245Val; replaces alanine 245 with valine.
Molecular consequence: missense variant. On other transcripts: intron variant (2).
Genome position (GRCh38, 1-based): chr6:75,189,306, G>A on the plus strand (C>T on the coding strand, the complement: COL12A1 is on the minus strand). VCF-style: chr6-75189306-G-A. GRCh37 (hg19) VCF-style: chr6-75899022-G-A.
Other names: c.734C>T, p.Ala245Val (NM_001424113.1, NM_001424114.1, NM_001424115.1); c.73+13414C>T (NM_001424116.1, NM_080645.3); short protein forms A245V.
Identifiers: ClinVar variation 3750409 (VCV003750409.2).

ClinVar aggregate classification (germline): Uncertain significance (1 of 4 stars; one submission).

Conditions:
Ullrich congenital muscular dystrophy 2 (UCMD2). Identifiers: Orphanet 75840, MedGen C4225314, MONDO:0014654, OMIM 616470.
Bethlem myopathy 2 (BTHLM2). Identifiers: Orphanet 536516, Orphanet 610, MedGen C4225313, MONDO:0034022, OMIM 616471.

Submission:

Labcorp Genetics (formerly Invitae), Labcorp
Classification: Uncertain significance for Bethlem myopathy 2; Ullrich congenital muscular dystrophy 2. Last evaluated: 2025-01-27. Review status: criteria provided, single submitter. Criteria: Invitae Variant Classification Sherloc (09022015). Collection method: clinical testing. Allele origin: germline.
Comment: This sequence change replaces alanine, which is neutral and non-polar, with valine, which is neutral and non-polar, at codon 245 of the COL12A1 protein (p.Ala245Val). This variant is not present in population databases (gnomAD no frequency). This variant has not been reported in the literature in individuals affected with COL12A1-related conditions. Invitae Evidence Modeling of protein sequence and biophysical properties (such as structural, functional, and spatial information, amino acid conservation, physicochemical variation, residue mobility, and thermodynamic stability) has been performed for this missense variant. However, the output from this modeling did not meet the statistical confidence thresholds required to predict the impact of this variant on COL12A1 protein function. In summary, the available evidence is currently insufficient to determine the role of this variant in disease. Therefore, it has been classified as a Variant of Uncertain Significance.